The following is an entry in ClinVar:

NM_005334.3(HCFC1):c.5192A>G (p.Asn1731Ser)

Gene: HCFC1 (host cell factor C1; minus strand). Cytogenetic location: Xq28.
Variant type: single nucleotide variant.
Coding change: c.5192A>G on transcript NM_005334.3 (MANE Select); coding-DNA position 5192, A replaced by G.
Protein change: p.Asn1731Ser; replaces asparagine 1731 with serine.
Molecular consequence: missense variant.
Genome position (GRCh38, 1-based): chrX:153,951,909, T>C on the plus strand (A>G on the coding strand, the complement: HCFC1 is on the minus strand). VCF-style: chrX-153951909-T-C. GRCh37 (hg19) VCF-style: chrX-153217360-T-C.
Other names: short protein forms N1731S.
Identifiers: ClinVar variation 1446249 (VCV001446249.8), dbSNP rs1376359622, ClinGen allele CA415106517.

ClinVar aggregate classification (germline): Uncertain significance. Review status: criteria provided, multiple submitters, no conflicts (2 of 4 stars). 2 submissions from 2 submitters: Uncertain significance (2). Last evaluated 2022-04-02.

Conditions:
Methylmalonic acidemia with homocystinuria, type cblX (MAHCX). Also called: INTELLECTUAL DEVELOPMENTAL DISORDER, X-LINKED 3. Identifiers: Orphanet 369962, MedGen C0796208, MONDO:0010657, OMIM 309541.

Allele frequency attached by ClinVar (database versions not stated): TOPMed 0.00001.
gnomAD v4.1: 1 of 1,189,921 alleles (0.000084%); no homozygotes.

Submissions (2):

Revvity Omics, Revvity
Classification: Uncertain significance for Methylmalonic acidemia with homocystinuria, type cblX. Last evaluated: 2022-04-02. Review status: criteria provided, single submitter. Criteria: ACMG Guidelines, 2015. Collection method: clinical testing. Allele origin: germline.

Labcorp Genetics (formerly Invitae), Labcorp
Classification: Uncertain significance for Methylmalonic acidemia with homocystinuria, type cblX. Last evaluated: 2021-10-12. Review status: criteria provided, single submitter. Criteria: Invitae Variant Classification Sherloc (09022015). Collection method: clinical testing. Allele origin: germline.
Comment: In summary, the available evidence is currently insufficient to determine the role of this variant in disease. Therefore, it has been classified as a Variant of Uncertain Significance. Algorithms developed to predict the effect of missense changes on protein structure and function are either unavailable or do not agree on the potential impact of this missense change (SIFT: "Deleterious"; PolyPhen-2: "Probably Damaging"; Align-GVGD: "Class C0"). This variant has not been reported in the literature in individuals affected with HCFC1-related conditions. This variant is not present in population databases (ExAC no frequency). This sequence change replaces asparagine with serine at codon 1731 of the HCFC1 protein (p.Asn1731Ser). The asparagine residue is moderately conserved and there is a small physicochemical difference between asparagine and serine.